The following is an entry in ClinVar:

NM_006031.6(PCNT):c.8506G>A (p.Glu2836Lys)

Gene: PCNT (pericentrin; plus strand). Cytogenetic location: 21q22.3.
Variant type: single nucleotide variant.
Coding change: c.8506G>A on transcript NM_006031.6 (MANE Select); coding-DNA position 8506, G replaced by A.
Protein change: p.Glu2836Lys; replaces glutamic acid 2836 with lysine.
Molecular consequence: missense variant.
Genome position (GRCh38, 1-based): chr21:46,431,970, G>A. VCF-style: chr21-46431970-G-A. GRCh37 (hg19) VCF-style: chr21-47851884-G-A.
Other names: c.8152G>A, p.Glu2718Lys (NM_001315529.2); short protein forms E2718K, E2836K.
Identifiers: ClinVar variation 3355684 (VCV003355684.1).
Genomic context (GRCh38, chr21:46,431,970, plus strand): 5'-CTGCATTCTCAGCAGCAGCTTGAGGCTGAGGCTCAGAAGCACTGTGAGGCGCTCAGGAGA[G>A]AGAAGGAGGTAAGTGCCACACTGAAGTCGACGGTGGAAGCCCTGCACACCCAAAAACGAG-3'
Protein context (NP_006022.3, residues 2826-2846): AQKHCEALRR[Glu2836Lys]KEVSATLKST

ClinVar aggregate classification (germline): Uncertain significance (0 of 4 stars; one submission).

Conditions:
PCNT-related disorder. Also called: PCNT-related condition.

gnomAD v4.1: 3 of 1,614,032 alleles (0.00019%); highest among the groups gnomAD compares: Admixed American, 0.0033%; no homozygotes.

Submission:

PreventionGenetics, part of Exact Sciences
Classification: Uncertain significance for PCNT-related condition. Last evaluated: 2024-09-03. Review status: no assertion criteria provided. Collection method: clinical testing. Allele origin: germline.
Comment: The PCNT c.8506G>A variant is predicted to result in the amino acid substitution p.Glu2836Lys. To our knowledge, this variant has not been reported in the literature. This variant is reported in 0.0058% of alleles in individuals of Latino descent in gnomAD. At this time, the clinical significance of this variant is uncertain due to the absence of conclusive functional and genetic evidence.